The following is an entry in ClinVar:

NM_003900.5(SQSTM1):c.176G>A (p.Arg59Gln)

Genes: SQSTM1 (sequestosome 1; plus strand), LOC129995449 (ATAC-STARR-seq lymphoblastoid silent region 16749; plus strand). Cytogenetic location: 5q35.3.
Variant type: single nucleotide variant.
Coding change: c.176G>A on transcript NM_003900.5 (MANE Select); coding-DNA position 176, G replaced by A.
Protein change: p.Arg59Gln; replaces arginine 59 with glutamine.
Molecular consequence: missense variant. On other transcripts: intron variant (2).
Genome position (GRCh38, 1-based): chr5:179,821,112, G>A. VCF-style: chr5-179821112-G-A. GRCh37 (hg19) VCF-style: chr5-179248112-G-A.
Other names: c.-47-1846G>A (NM_001142298.2, NM_001142299.2); short protein forms R59Q.
Identifiers: ClinVar variation 3756136 (VCV003756136.2).
Genomic context (GRCh38, chr5:179,821,112, plus strand): 5'-CGGGTCCGGGACCCTGCGAGCGGCTGCTGAGCCGGGTGGCCGCCCTGTTCCCCGCGCTGC[G>A]GCCTGGCGGCTTCCAGGCGCACTACCGCGGTGAGCGGGCCGGGGAGCGGCGGGGGCGGTG-3'
Protein context (NP_003891.1, residues 49-69): SRVAALFPAL[Arg59Gln]PGGFQAHYRD

ClinVar aggregate classification (germline): Uncertain significance (1 of 4 stars; one submission).

Conditions:
Frontotemporal dementia and/or amyotrophic lateral sclerosis 1 (FTDALS1). Also called: Frontotemporal dementia with motor neuron disease 1; C9orf72 Frontotemporal Dementia and/or Amyotrophic Lateral Sclerosis. Identifiers: Orphanet 275872, MedGen C5779877, MONDO:0007105, OMIM 105550.
Paget disease of bone 2, early-onset (PDB2). Also called: Paget disease of bone 2. Identifiers: MedGen C4085251, MONDO:0011183, OMIM 602080.

gnomAD v4.1: 1 of 1,388,220 alleles (0.000072%); highest among the groups gnomAD compares: Non-Finnish European, 0.000093%; no homozygotes.

Submission:

Labcorp Genetics (formerly Invitae), Labcorp
Classification: Uncertain significance for Paget disease of bone 2, early-onset; Frontotemporal dementia and/or amyotrophic lateral sclerosis 1. Last evaluated: 2024-05-01. Review status: criteria provided, single submitter. Criteria: Invitae Variant Classification Sherloc (09022015). Collection method: clinical testing. Allele origin: germline.
Comment: This sequence change replaces arginine, which is basic and polar, with glutamine, which is neutral and polar, at codon 59 of the SQSTM1 protein (p.Arg59Gln). This variant is not present in population databases (gnomAD no frequency). This variant has not been reported in the literature in individuals affected with SQSTM1-related conditions. Advanced modeling of protein sequence and biophysical properties (such as structural, functional, and spatial information, amino acid conservation, physicochemical variation, residue mobility, and thermodynamic stability) performed at Invitae indicates that this missense variant is not expected to disrupt SQSTM1 protein function with a negative predictive value of 80%. In summary, the available evidence is currently insufficient to determine the role of this variant in disease. Therefore, it has been classified as a Variant of Uncertain Significance.